The following is an entry in ClinVar:

ClinVar aggregate classification (germline): Benign (0 of 4 stars; one submission).

Conditions:
CRYBA2-related disorder. Also called: CRYBA2-related condition.

Allele frequency attached by ClinVar (database versions not stated): ExAC 0.00043; gnomAD 0.00111; TOPMed 0.00122; ESP Exome Variant Server 0.00154; 1000 Genomes Project 30x 0.00156; 1000 Genomes Project 0.00160.

Submission:

PreventionGenetics, part of Exact Sciences
Classification: Benign for CRYBA2-related condition. Last evaluated: 2023-12-22. Review status: no assertion criteria provided. Collection method: clinical testing. Allele origin: germline.
Comment: This variant is classified as benign based on ACMG/AMP sequence variant interpretation guidelines (Richards et al. 2015 PMID: 25741868, with internal and published modifications).

NM_057093.2(CRYBA2):c.506G>A (p.Arg169Gln)

Gene: CRYBA2 (crystallin beta A2; minus strand). Cytogenetic location: 2q35.
Variant type: single nucleotide variant.
Coding change: c.506G>A on transcript NM_057093.2 (MANE Select); coding-DNA position 506, G replaced by A.
Protein change: p.Arg169Gln; replaces arginine 169 with glutamine.
Molecular consequence: missense variant.
Genome position (GRCh38, 1-based): chr2:218,990,340, C>T on the plus strand (G>A on the coding strand, the complement: CRYBA2 is on the minus strand). VCF-style: chr2-218990340-C-T. GRCh37 (hg19) VCF-style: chr2-219855062-C-T.
Other names: c.506G>A, p.Arg169Gln (NM_005209.1, NM_057094.2); short protein forms R169Q.
Identifiers: ClinVar variation 3058152 (VCV003058152.2), dbSNP rs77427424, ClinGen allele CA2114400.